The following is an entry in ClinVar:

ClinVar aggregate classification (germline): Likely benign (1 of 4 stars; one submission).

Allele frequency attached by ClinVar (database versions not stated): 1000 Genomes Project 0.01038; gnomAD 0.01115 and 0.01218; 1000 Genomes Project 30x 0.01156; TOPMed 0.01327.
gnomAD v4.1: 1,688 of 152,302 alleles (1.1%); highest among the groups gnomAD compares: African/African-American, 3.9%; 29 homozygotes.

Submission:

GeneDx
Classification: Likely benign. Last evaluated: 2018-06-16. Review status: criteria provided, single submitter. Criteria: GeneDx Variant Classification (06012015). Collection method: clinical testing. Allele origin: germline. Affected: yes.
Comment: This variant is considered likely benign or benign based on one or more of the following criteria: it is a conservative change, it occurs at a poorly conserved position in the protein, it is predicted to be benign by multiple in silico algorithms, and/or has population frequency not consistent with disease.

NM_002693.3(POLG):c.2426+199C>T

Gene: POLG (DNA polymerase gamma, catalytic subunit; minus strand). Cytogenetic location: 15q26.1.
Variant type: single nucleotide variant.
Coding change: c.2426+199C>T on transcript NM_002693.3 (MANE Select); 199 bases into the intron after coding-DNA position 2426, C replaced by T.
Molecular consequence: intron variant.
Genome position (GRCh38, 1-based): chr15:89,322,543, G>A on the plus strand (C>T on the coding strand, the complement: POLG is on the minus strand). VCF-style: chr15-89322543-G-A. GRCh37 (hg19) VCF-style: chr15-89865774-G-A.
Other names: c.2426+199C>T (NM_001126131.2).
Identifiers: ClinVar variation 673064 (VCV000673064.1), dbSNP rs115621693, ClinGen allele CA274548338.